The following is an entry in ClinVar:

NM_003640.5(ELP1):c.1242C>A (p.Cys414Ter)

Gene: ELP1 (elongator acetyltransferase complex subunit 1; minus strand). Cytogenetic location: 9q31.3.
Variant type: single nucleotide variant.
Coding change: c.1242C>A on transcript NM_003640.5 (MANE Select); coding-DNA position 1242, C replaced by A.
Protein change: p.Cys414Ter; replaces cysteine 414 with a stop codon.
Molecular consequence: nonsense.
Genome position (GRCh38, 1-based): chr9:108,911,128, G>T on the plus strand (C>A on the coding strand, the complement: ELP1 is on the minus strand). VCF-style: chr9-108911128-G-T. GRCh37 (hg19) VCF-style: chr9-111673408-G-T.
Other names: c.1242C>A (NM_003640.4); c.900C>A, p.Cys300Ter (NM_001318360.2); c.195C>A, p.Cys65Ter (NM_001330749.2); short protein forms C65*, C300*, C414*.
Identifiers: ClinVar variation 2827270 (VCV002827270.4), dbSNP rs1233980811, ClinGen allele CA374429064.

ClinVar aggregate classification (germline): Pathogenic/Likely pathogenic. Review status: criteria provided, multiple submitters, no conflicts (2 of 4 stars). 2 submissions from 2 submitters: Pathogenic (1); Likely pathogenic (1). Last evaluated 2025-05-21.

Conditions:
Familial dysautonomia. Also called: HSAN III; FD. Identifiers: Orphanet 1764, MedGen C0013364, MONDO:0009131, OMIM 223900. Disease mechanism: loss of function.

Submissions (2):

Natera, Inc.
Classification: Likely pathogenic for Familial dysautonomia. Last evaluated: 2025-05-21. Review status: criteria provided, single submitter. Criteria: Natera Variant Classification Schema (03/2026). Collection method: clinical testing. Allele origin: germline.
Comment: The c.1242C>A variant in ELP1 is a nonsense variant predicted to introduce a stop codon at amino acid 414. This variant is expected to result in nonsense mediated decay, truncation, or a dysfunctional protein product. This variant is rare in the general population with a frequency below the threshold expected for the associated phenotype(s). Given the available evidence, this variant is classified as Likely Pathogenic.

Labcorp Genetics (formerly Invitae), Labcorp
Classification: Pathogenic. Last evaluated: 2023-01-26. Review status: criteria provided, single submitter. Criteria: Invitae Variant Classification Sherloc (09022015). Collection method: clinical testing. Allele origin: germline.
Comment: This sequence change creates a premature translational stop signal (p.Cys414*) in the ELP1 gene. It is expected to result in an absent or disrupted protein product. Loss-of-function variants in ELP1 are known to be pathogenic (PMID: 18303054, 24173031). This variant is not present in population databases (gnomAD no frequency). This variant has not been reported in the literature in individuals affected with ELP1-related conditions. For these reasons, this variant has been classified as Pathogenic.

Literature cited by the submitters: PubMed 18303054 (cited by Labcorp Genetics (formerly Invitae), Labcorp); PubMed 24173031 (cited by Labcorp Genetics (formerly Invitae), Labcorp).